The following is an entry in ClinVar:

NM_018127.7(ELAC2):c.317A>G (p.Asp106Gly)

Gene: ELAC2 (elaC ribonuclease Z 2; minus strand). Cytogenetic location: 17p12.
Variant type: single nucleotide variant.
Coding change: c.317A>G on transcript NM_018127.7 (MANE Select); coding-DNA position 317, A replaced by G.
Protein change: p.Asp106Gly; replaces aspartic acid 106 with glycine.
Molecular consequence: missense variant.
Genome position (GRCh38, 1-based): chr17:13,016,912, T>C on the plus strand (A>G on the coding strand, the complement: ELAC2 is on the minus strand). VCF-style: chr17-13016912-T-C. GRCh37 (hg19) VCF-style: chr17-12920229-T-C.
Other names: c.317A>G, p.Asp106Gly (NM_001165962.2, NM_173717.2); short protein forms D106G.
Identifiers: ClinVar variation 1933118 (VCV001933118.5), dbSNP rs2041762843, ClinGen allele CA398218412.

ClinVar aggregate classification (germline): Uncertain significance (1 of 4 stars; one submission).

Conditions:
Combined oxidative phosphorylation defect type 17. Also called: Combined oxidative phosphorylation deficiency 17. Identifiers: Orphanet 369913, MedGen C3809526, MONDO:0014190, OMIM 615440.

Allele frequency attached by ClinVar (database versions not stated): gnomAD exomes below 0.00001.
gnomAD v4.1: 1 of 1,614,116 alleles (0.000062%); highest among the groups gnomAD compares: Non-Finnish European, 0.000085%; no homozygotes.

Submission:

Labcorp Genetics (formerly Invitae), Labcorp
Classification: Uncertain significance for Combined oxidative phosphorylation defect type 17. Last evaluated: 2022-03-14. Review status: criteria provided, single submitter. Criteria: Invitae Variant Classification Sherloc (09022015). Collection method: clinical testing. Allele origin: germline.
Comment: In summary, the available evidence is currently insufficient to determine the role of this variant in disease. Therefore, it has been classified as a Variant of Uncertain Significance. Algorithms developed to predict the effect of missense changes on protein structure and function are either unavailable or do not agree on the potential impact of this missense change (SIFT: "Tolerated"; PolyPhen-2: "Probably Damaging"; Align-GVGD: "Class C0"). This variant has not been reported in the literature in individuals affected with ELAC2-related conditions. This variant is not present in population databases (gnomAD no frequency). This sequence change replaces aspartic acid, which is acidic and polar, with glycine, which is neutral and non-polar, at codon 106 of the ELAC2 protein (p.Asp106Gly).